The following is an entry in ClinVar:

NM_000091.5(COL4A3):c.3202G>A (p.Gly1068Arg)

Genes: COL4A3 (collagen type IV alpha 3 chain; plus strand), MFF-DT (MFF divergent transcript; minus strand). Cytogenetic location: 2q36.3.
Variant type: single nucleotide variant.
Coding change: c.3202G>A on transcript NM_000091.5 (MANE Select); coding-DNA position 3202, G replaced by A.
Protein change: p.Gly1068Arg; replaces glycine 1068 with arginine.
Molecular consequence: missense variant.
Genome position (GRCh38, 1-based): chr2:227,290,878, G>A. VCF-style: chr2-227290878-G-A. GRCh37 (hg19) VCF-style: chr2-228155594-G-A.
Other names: short protein forms G1068R.
Identifiers: ClinVar variation 4526489 (VCV004526489.1).

ClinVar aggregate classification (germline): Likely pathogenic (1 of 4 stars; one submission).

Conditions:
Autosomal dominant Alport syndrome (ATS3A). Also called: Alport syndrome dominant type; Renal failure and sensorineural hearing loss; ALPORT SYNDROME 3A, AUTOSOMAL DOMINANT. Identifiers: Orphanet 63, Orphanet 88918, MedGen C5882663, MONDO:0007086, OMIM 104200.

Submission:

MVZ Medizinische Genetik Mainz
Classification: Likely pathogenic for Autosomal dominant Alport syndrome. Last evaluated: 2025-09-25. Review status: criteria provided, single submitter. Criteria: UK Practice Guidelines For Variant Classification V4 01 2020. Collection method: clinical testing. Allele origin: germline. Inheritance: Autosomal dominant inheritance. Affected: yes. Observed: 1 variant allele.
Comment: ACMG Criteria: PM1_STR,PM2_SUP,PP3,PP4